The following is an entry in ClinVar:

ClinVar aggregate classification (germline): Pathogenic (1 of 4 stars; one submission).

Conditions:
RYR1-related disorder. Also called: RYR1-related condition; RYR1-related disorders. Identifiers: MedGen CN239331.

Allele frequency attached by ClinVar (database versions not stated): gnomAD exomes below 0.00001.
gnomAD v4.1: 4 of 1,613,918 alleles (0.00025%); highest among the groups gnomAD compares: Admixed American, 0.005%; no homozygotes.

Submission:

Labcorp Genetics (formerly Invitae), Labcorp
Classification: Pathogenic for RYR1-related disorder. Last evaluated: 2018-05-02. Review status: criteria provided, single submitter. Criteria: Invitae Variant Classification Sherloc (09022015). Collection method: clinical testing. Allele origin: germline.
Comment: This sequence change creates a premature translational stop signal (p.Gln3491*) in the RYR1 gene. It is expected to result in an absent or disrupted protein product. This variant is not present in population databases (ExAC no frequency). This variant has not been reported in the literature in individuals with RYR1-related disease. Loss-of-function variants in RYR1 are known to be pathogenic (PMID: 20583297, 23919265). For these reasons, this variant has been classified as Pathogenic.

Literature cited by the submitters: PubMed 20583297; PubMed 23919265.

NM_000540.3(RYR1):c.10471C>T (p.Gln3491Ter)

Gene: RYR1 (ryanodine receptor 1; plus strand). Cytogenetic location: 19q13.2.
Variant type: single nucleotide variant.
Coding change: c.10471C>T on transcript NM_000540.3 (MANE Select); coding-DNA position 10471, C replaced by T.
Protein change: p.Gln3491Ter; replaces glutamine 3491 with a stop codon.
Molecular consequence: nonsense.
Genome position (GRCh38, 1-based): chr19:38,525,347, C>T. VCF-style: chr19-38525347-C-T. GRCh37 (hg19) VCF-style: chr19-39015987-C-T.
Other names: c.10456C>T, p.Gln3486Ter (NM_001042723.2); short protein forms Q3486*, Q3491*.
Identifiers: ClinVar variation 1073108 (VCV001073108.2), dbSNP rs2145711507, ClinGen allele CA079901.
Genomic context (GRCh38, chr19:38,525,347, plus strand): 5'-ATGGGATTGGGGCTTGGGCTGGTGCTGAGCCCTGTGTCCCCACAGTCCGGTGGCTCGGAC[C>T]AGGAACGCACCAAGAAGAAGCGCCGGGGGGACCGGTACTCTGTGCAGACGTCACTGATCG-3'